The following is an entry in ClinVar:

NM_213655.5(WNK1):c.2359C>T (p.Arg787Ter)

Gene: WNK1 (WNK lysine deficient protein kinase 1; plus strand). Cytogenetic location: 12p13.33.
Variant type: single nucleotide variant.
Coding change: c.2359C>T on transcript NM_213655.5 (MANE Plus Clinical); coding-DNA position 2359, C replaced by T.
Protein change: p.Arg787Ter; replaces arginine 787 with a stop codon.
Molecular consequence: nonsense. On other transcripts: intron variant (3).
Genome position (GRCh38, 1-based): chr12:865,329, C>T. VCF-style: chr12-865329-C-T. GRCh37 (hg19) VCF-style: chr12-974495-C-T.
Other names: c.2140-2537C>T (NM_001184985.2); c.2139+3059C>T (NM_018979.4, NM_014823.3); short protein forms R787*.
Identifiers: ClinVar variation 934720 (VCV000934720.11), dbSNP rs748504277, ClinGen allele CA6382145.

ClinVar aggregate classification (germline): Uncertain significance. Review status: criteria provided, multiple submitters, no conflicts (2 of 4 stars). 3 submissions from 3 submitters: Uncertain significance (3). Last evaluated 2026-02-18.

Conditions:
Neuropathy, hereditary sensory and autonomic, type 2A (HSAN2A). Also called: MORVAN DISEASE; NEUROPATHY, CONGENITAL SENSORY; NEUROPATHY, HEREDITARY SENSORY RADICULAR, AUTOSOMAL RECESSIVE; NEUROPATHY, HEREDITARY SENSORY, TYPE IIA; NEUROPATHY, PROGRESSIVE SENSORY, OF CHILDREN; ACROOSTEOLYSIS, GIACCAI TYPE. Identifiers: Orphanet 970, MedGen C2752089, MONDO:0024309, OMIM 201300.
Pseudohypoaldosteronism type 2C (PHA2C). Also called: Pseudohypoaldosteronism Type IIC. Identifiers: Orphanet 757, Orphanet 88940, MedGen C1840391, MONDO:0013778, OMIM 614492.
WNK1-related disorder. Also called: WNK1-related condition.

Allele frequency attached by ClinVar (database versions not stated): gnomAD 0.00002; gnomAD exomes 0.00002 and 0.00003; TOPMed 0.00003; ExAC 0.00008.
gnomAD v4.1: 28 of 1,535,990 alleles (0.0018%); highest among the groups gnomAD compares: Middle Eastern, 0.033%; no homozygotes.

Submissions (3):

PreventionGenetics, part of Exact Sciences
Classification: Uncertain significance for WNK1-related condition. Last evaluated: 2026-02-18. Review status: criteria provided, single submitter. Criteria: ACMG Guidelines, 2015. Collection method: clinical testing. Allele origin: germline.
Comment: The WNK1 c.2359C>T variant is predicted to result in premature protein termination (p.Arg787*). Of note, this variant can be referred to as c.2140-2537C>T with an alternate isoform, NM_001184985. To our knowledge, this variant has not been reported in the literature. This variant is reported in 0.016% of alleles in individuals of African descent in gnomAD. At this time, the clinical significance of this variant is uncertain due to the absence of conclusive functional and genetic evidence.

Labcorp Genetics (formerly Invitae), Labcorp
Classification: Uncertain significance for Neuropathy, hereditary sensory and autonomic, type 2A; Pseudohypoaldosteronism type 2C. Last evaluated: 2023-12-14. Review status: criteria provided, single submitter. Criteria: Invitae Variant Classification Sherloc (09022015). Collection method: clinical testing. Allele origin: germline.
Comment: This sequence change creates a premature translational stop signal (p.Arg787*) in the WNK1 gene. However, it is currently unclear if variants that occur in this region of the gene cause disease. This variant is present in population databases (rs748504277, gnomAD 0.02%). This variant has not been reported in the literature in individuals affected with WNK1-related conditions. ClinVar contains an entry for this variant (Variation ID: 934720). In summary, the available evidence is currently insufficient to determine the role of this variant in disease. Therefore, it has been classified as a Variant of Uncertain Significance.

Fulgent Genetics
Classification: Uncertain significance for Neuropathy, hereditary sensory and autonomic, type 2A; Pseudohypoaldosteronism type 2C. Last evaluated: 2021-07-16. Review status: criteria provided, single submitter. Criteria: ACMG Guidelines, 2015. Collection method: clinical testing. Allele origin: unknown.